The following is an entry in ClinVar:

ClinVar aggregate classification (germline): Uncertain significance (1 of 4 stars; one submission).

Conditions:
Hereditary cancer-predisposing syndrome. Also called: Neoplastic Syndromes, Hereditary; Hereditary Cancer Syndrome; Tumor predisposition; Hereditary neoplastic syndrome. Identifiers: Orphanet 140162, MedGen C0027672, MeSH D009386, MONDO:0015356.

Submission:

Ambry Genetics
Classification: Uncertain significance for Hereditary cancer-predisposing syndrome. Last evaluated: 2022-12-04. Review status: criteria provided, single submitter. Criteria: Ambry Variant Classification Scheme 2023. Collection method: clinical testing. Allele origin: germline.
Comment: The p.T41P variant (also known as c.121A>C), located in coding exon 1 of the HOXB13 gene, results from an A to C substitution at nucleotide position 121. The threonine at codon 41 is replaced by proline, an amino acid with highly similar properties. This amino acid position is conserved. In addition, this alteration is predicted to be tolerated by in silico analysis. Since supporting evidence is limited at this time, the clinical significance of this alteration remains unclear.

NM_006361.6(HOXB13):c.121A>C (p.Thr41Pro)

Gene: HOXB13 (homeobox B13; minus strand). Cytogenetic location: 17q21.32.
Variant type: single nucleotide variant.
Coding change: c.121A>C on transcript NM_006361.6 (MANE Select); coding-DNA position 121, A replaced by C.
Protein change: p.Thr41Pro; replaces threonine 41 with proline.
Molecular consequence: missense variant.
Genome position (GRCh38, 1-based): chr17:48,728,473, T>G on the plus strand (A>C on the coding strand, the complement: HOXB13 is on the minus strand). VCF-style: chr17-48728473-T-G. GRCh37 (hg19) VCF-style: chr17-46805835-T-G.
Other names: short protein forms T41P.
Identifiers: ClinVar variation 2448869 (VCV002448869.2), dbSNP rs2509515996, ClinGen allele CA400109234.